The following is an entry in ClinVar:

NM_138773.4(SLC25A46):c.946G>A (p.Glu316Lys)

Gene: SLC25A46 (solute carrier family 25 member 46; plus strand). Cytogenetic location: 5q22.1.
Variant type: single nucleotide variant.
Coding change: c.946G>A on transcript NM_138773.4 (MANE Select); coding-DNA position 946, G replaced by A.
Protein change: p.Glu316Lys; replaces glutamic acid 316 with lysine.
Molecular consequence: missense variant. On other transcripts: non-coding transcript variant (1).
Genome position (GRCh38, 1-based): chr5:110,761,471, G>A. VCF-style: chr5-110761471-G-A. GRCh37 (hg19) VCF-style: chr5-110097171-G-A.
Other names: c.703G>A, p.Glu235Lys (NM_001303249.3); c.673G>A, p.Glu225Lys (NM_001303250.3); short protein forms E235K, E316K, E225K.
Identifiers: ClinVar variation 1392109 (VCV001392109.8), dbSNP rs2150419254, ClinGen allele CA360696534.

ClinVar aggregate classification (germline): Uncertain significance (1 of 4 stars; one submission).

Conditions:
Neuropathy, hereditary motor and sensory, type 6B (HMSN6B). Also called: Neuropathy, hereditary motor and sensory, type VIB; HMSN VIB; CHARCOT-MARIE-TOOTH DISEASE, TYPE 6B; NEUROPATHY, HEREDITARY MOTOR AND SENSORY, TYPE VIB, WITH OPTIC ATROPHY. Identifiers: MedGen C4225302, MONDO:0014671, OMIM 616505.

Submission:

Labcorp Genetics (formerly Invitae), Labcorp
Classification: Uncertain significance for Neuropathy, hereditary motor and sensory, type 6B. Last evaluated: 2021-04-30. Review status: criteria provided, single submitter. Criteria: Invitae Variant Classification Sherloc (09022015). Collection method: clinical testing. Allele origin: germline.
Comment: This variant has not been reported in the literature in individuals with SLC25A46-related conditions. Algorithms developed to predict the effect of missense changes on protein structure and function are either unavailable or do not agree on the potential impact of this missense change (SIFT: "Tolerated"; PolyPhen-2: "Probably Damaging"; Align-GVGD: "Class C0"). In summary, the available evidence is currently insufficient to determine the role of this variant in disease. Therefore, it has been classified as a Variant of Uncertain Significance. This variant is not present in population databases (ExAC no frequency). This sequence change replaces glutamic acid with lysine at codon 316 of the SLC25A46 protein (p.Glu316Lys). The glutamic acid residue is highly conserved and there is a small physicochemical difference between glutamic acid and lysine.